The following is an entry in ClinVar:

ClinVar aggregate classification (germline): Uncertain significance (1 of 4 stars; one submission).

Allele frequency attached by ClinVar (database versions not stated): gnomAD exomes below 0.00001.
gnomAD v4.1: 1 of 1,613,608 alleles (0.000062%); highest among the groups gnomAD compares: Non-Finnish European, 0.000085%; no homozygotes.

Submission:

Labcorp Genetics (formerly Invitae), Labcorp
Classification: Uncertain significance. Last evaluated: 2021-12-22. Review status: criteria provided, single submitter. Criteria: Invitae Variant Classification Sherloc (09022015). Collection method: clinical testing. Allele origin: germline.
Comment: This variant has not been reported in the literature in individuals affected with MAP3K20-related conditions. This sequence change replaces threonine, which is neutral and polar, with isoleucine, which is neutral and non-polar, at codon 513 of the MAP3K20 protein (p.Thr513Ile). This variant is not present in population databases (gnomAD no frequency). Experimental studies and prediction algorithms are not available or were not evaluated, and the functional significance of this variant is currently unknown. In summary, the available evidence is currently insufficient to determine the role of this variant in disease. Therefore, it has been classified as a Variant of Uncertain Significance.

NM_016653.3(MAP3K20):c.1538C>T (p.Thr513Ile)

Genes: MAP3K20 (mitogen-activated protein kinase kinase kinase 20; plus strand), MAP3K20-AS1 (MAP3K20 antisense RNA 1; minus strand). Cytogenetic location: 2q31.1.
Variant type: single nucleotide variant.
Coding change: c.1538C>T on transcript NM_016653.3 (MANE Select); coding-DNA position 1538, C replaced by T.
Protein change: p.Thr513Ile; replaces threonine 513 with isoleucine.
Molecular consequence: missense variant.
Genome position (GRCh38, 1-based): chr2:173,261,124, C>T. VCF-style: chr2-173261124-C-T. GRCh37 (hg19) VCF-style: chr2-174125852-C-T.
Other names: short protein forms T513I.
Identifiers: ClinVar variation 1949668 (VCV001949668.5), dbSNP rs2468311470, ClinGen allele CA349316570.